The following is an entry in ClinVar:

ClinVar aggregate classification (germline): Uncertain significance. Review status: criteria provided, multiple submitters, no conflicts (2 of 4 stars). 2 submissions from 2 submitters: Uncertain significance (2). Last evaluated 2025-05-22.

Conditions:
Intellectual developmental disorder, autosomal dominant 1. Also called: Intellectual disability, autosomal dominant 1; MBD5 Haploinsufficiency. Identifiers: Orphanet 228402, MedGen C1969562, MONDO:0007974, OMIM 156200.

Allele frequency attached by ClinVar (database versions not stated): gnomAD exomes 0.00001; ExAC 0.00002; gnomAD 0.00003; TOPMed 0.00003.
gnomAD v4.1: 16 of 1,613,868 alleles (0.00099%); highest among the groups gnomAD compares: African/African-American, 0.0093%; no homozygotes.

Submissions (2):

Labcorp Genetics (formerly Invitae), Labcorp
Classification: Uncertain significance for Intellectual developmental disorder, autosomal dominant 1. Last evaluated: 2025-05-22. Review status: criteria provided, single submitter. Criteria: Invitae Variant Classification Sherloc (09022015). Collection method: clinical testing. Allele origin: germline.
Comment: This sequence change replaces threonine, which is neutral and polar, with methionine, which is neutral and non-polar, at codon 664 of the MBD5 protein (p.Thr664Met). This variant is present in population databases (rs755862882, gnomAD 0.02%). This variant has not been reported in the literature in individuals affected with MBD5-related conditions. ClinVar contains an entry for this variant (Variation ID: 2050818). Invitae Evidence Modeling of protein sequence and biophysical properties (such as structural, functional, and spatial information, amino acid conservation, physicochemical variation, residue mobility, and thermodynamic stability) indicates that this missense variant is not expected to disrupt MBD5 protein function with a negative predictive value of 80%. In summary, the available evidence is currently insufficient to determine the role of this variant in disease. Therefore, it has been classified as a Variant of Uncertain Significance.

CeGaT Center for Human Genetics Tuebingen
Classification: Uncertain significance. Last evaluated: 2024-02-01. Review status: criteria provided, single submitter. Criteria: CeGaT Center For Human Genetics Tuebingen Variant Classification Criteria Version 2. Collection method: clinical testing. Allele origin: germline. Affected: yes. Observed: 1 variant allele.
Comment: MBD5: PM2:Supporting, BP4

NM_001378120.1(MBD5):c.1991C>T (p.Thr664Met)

Gene: MBD5 (methyl-CpG binding domain protein 5; plus strand). Cytogenetic location: 2q23.1.
Variant type: single nucleotide variant.
Coding change: c.1991C>T on transcript NM_001378120.1 (MANE Select); coding-DNA position 1991, C replaced by T.
Protein change: p.Thr664Met; replaces threonine 664 with methionine.
Molecular consequence: missense variant.
Genome position (GRCh38, 1-based): chr2:148,469,934, C>T. VCF-style: chr2-148469934-C-T. GRCh37 (hg19) VCF-style: chr2-149227503-C-T.
Other names: c.1991C>T, p.Thr664Met (NM_018328.5); short protein forms T664M.
Identifiers: ClinVar variation 2050818 (VCV002050818.26), dbSNP rs755862882, ClinGen allele CA315810.